The following is an entry in ClinVar:

NM_002223.4(ITPR2):c.3824G>A (p.Arg1275Gln)

Gene: ITPR2 (inositol 1,4,5-trisphosphate receptor type 2; minus strand). Cytogenetic location: 12p11.23.
Variant type: single nucleotide variant.
Coding change: c.3824G>A on transcript NM_002223.4 (MANE Select); coding-DNA position 3824, G replaced by A.
Protein change: p.Arg1275Gln; replaces arginine 1275 with glutamine.
Molecular consequence: missense variant.
Genome position (GRCh38, 1-based): chr12:26,599,323, C>T on the plus strand (G>A on the coding strand, the complement: ITPR2 is on the minus strand). VCF-style: chr12-26599323-C-T. GRCh37 (hg19) VCF-style: chr12-26752256-C-T.
Other names: c.3821G>A, p.Arg1274Gln (NM_001414174.1); c.3824G>A, p.Arg1275Gln (NM_001414175.1); short protein forms R1274Q, R1275Q.
Identifiers: ClinVar variation 2642805 (VCV002642805.25), dbSNP rs191673689, ClinGen allele CA6489154.
Genomic context (GRCh38, chr12:26,599,323, plus strand): 5'-TGTTGTACAACTCTCTCGCTAATTTCGTTGCACAGATGGTAATTGTTCATGAAGATGTGC[C>T]GCATGGTTTCTGCTTCAAGGAGCTAAACACAGAGGAACATGCCCTTGTAATTCTGACAAG-3'
Protein context (NP_002214.2, residues 1265-1285): TPGLLEAETM[Arg1275Gln]HIFMNNYHLC

ClinVar aggregate classification (germline): Likely benign. Review status: criteria provided, multiple submitters, no conflicts (2 of 4 stars). 2 submissions from 2 submitters: Likely benign (2). Last evaluated 2024-11-25.

Allele frequency attached by ClinVar (database versions not stated): 1000 Genomes Project 30x 0.00125; 1000 Genomes Project 0.00140; TOPMed 0.00145; ExAC 0.00235; gnomAD 0.00241; ESP Exome Variant Server 0.00325; gnomAD exomes 0.00336.
gnomAD v4.1: 5,254 of 1,613,962 alleles (0.33%); highest among the groups gnomAD compares: Non-Finnish European, 0.36%; 10 homozygotes.

Submissions (2):

Blueprint Genetics
Classification: Likely benign. Last evaluated: 2024-11-25. Review status: criteria provided, single submitter. Criteria: ACMG Guidelines, 2015. Collection method: clinical testing. Allele origin: germline.

CeGaT Center for Human Genetics Tuebingen
Classification: Likely benign. Last evaluated: 2023-02-01. Review status: criteria provided, single submitter. Criteria: CeGaT Center For Human Genetics Tuebingen Variant Classification Criteria Version 2. Collection method: clinical testing. Allele origin: germline. Affected: yes. Observed: 1 variant allele.
Comment: ITPR2: PP2, BS2